The following is an entry in ClinVar:

NM_001378452.1(ITPR1):c.2187C>T (p.Asp729=)

Gene: ITPR1 (inositol 1,4,5-trisphosphate receptor type 1; plus strand). Cytogenetic location: 3p26.1.
Variant type: single nucleotide variant.
Coding change: c.2187C>T on transcript NM_001378452.1 (MANE Select); coding-DNA position 2187, C replaced by T.
Protein change: p.Asp729=; no amino-acid change (aspartic acid 729 retained).
Molecular consequence: synonymous variant.
Genome position (GRCh38, 1-based): chr3:4,670,909, C>T. VCF-style: chr3-4670909-C-T. GRCh37 (hg19) VCF-style: chr3-4712593-C-T.
Other names: c.2187C>T, p.Asp729= (NM_001099952.4); c.2142C>T, p.Asp714= (NM_001168272.2, NM_002222.7).
Identifiers: ClinVar variation 994631 (VCV000994631.34), dbSNP rs376805768, ClinGen allele CA2231356.

ClinVar aggregate classification (germline): Benign/Likely benign. Review status: criteria provided, multiple submitters, no conflicts (2 of 4 stars). 5 submissions from 5 submitters: Benign (1); Likely benign (4). Last evaluated 2025-10-10.

Allele frequency attached by ClinVar (database versions not stated): ExAC 0.00004; gnomAD 0.00007; gnomAD exomes 0.00007 and 0.00011; TOPMed 0.00010; ESP Exome Variant Server 0.00016.
gnomAD v4.1: 184 of 1,589,988 alleles (0.012%); highest among the groups gnomAD compares: Admixed American, 0.014%; no homozygotes.

Submissions (5):

Labcorp Genetics (formerly Invitae), Labcorp
Classification: Likely benign. Last evaluated: 2025-10-10. Review status: criteria provided, single submitter. Criteria: Invitae Variant Classification Sherloc (09022015). Collection method: clinical testing. Allele origin: germline.

CeGaT Center for Human Genetics Tuebingen
Classification: Likely benign. Last evaluated: 2025-02-01. Review status: criteria provided, single submitter. Criteria: CeGaT Center For Human Genetics Tuebingen Variant Classification Criteria Version 2. Collection method: clinical testing. Allele origin: germline. Affected: yes. Observed: 2 variant alleles.
Comment: ITPR1: BP4, BP7

Blueprint Genetics
Classification: Likely benign. Last evaluated: 2024-10-17. Review status: criteria provided, single submitter. Criteria: ACMG Guidelines, 2015. Collection method: clinical testing. Allele origin: germline.

GeneDx
Classification: Likely benign. Last evaluated: 2020-11-09. Review status: criteria provided, single submitter. Criteria: GeneDx Variant Classification Process June 2021. Collection method: clinical testing. Allele origin: germline. Affected: yes.

Athena Diagnostics
Classification: Benign. Last evaluated: 2020-02-20. Review status: criteria provided, single submitter. Criteria: Athena Diagnostics Criteria. Collection method: clinical testing. Allele origin: unknown.